The following is an entry in ClinVar:

ClinVar aggregate classification (germline): Uncertain significance (1 of 4 stars; one submission).

Allele frequency attached by ClinVar (database versions not stated): gnomAD exomes below 0.00001 and 0.00001; gnomAD 0.00002; TOPMed 0.00003.
gnomAD v4.1: 4 of 1,613,450 alleles (0.00025%); highest among the groups gnomAD compares: African/African-American, 0.0053%; no homozygotes.

Submission:

Labcorp Genetics (formerly Invitae), Labcorp
Classification: Uncertain significance. Last evaluated: 2022-01-14. Review status: criteria provided, single submitter. Criteria: Invitae Variant Classification Sherloc (09022015). Collection method: clinical testing. Allele origin: germline.
Comment: In summary, the available evidence is currently insufficient to determine the role of this variant in disease. Therefore, it has been classified as a Variant of Uncertain Significance. Algorithms developed to predict the effect of missense changes on protein structure and function (SIFT, PolyPhen-2, Align-GVGD) all suggest that this variant is likely to be disruptive. This variant has not been reported in the literature in individuals affected with LOXL3-related conditions. This variant is present in population databases (no rsID available, gnomAD 0.01%). This sequence change replaces leucine, which is neutral and non-polar, with proline, which is neutral and non-polar, at codon 533 of the LOXL3 protein (p.Leu533Pro).

NM_032603.5(LOXL3):c.1598T>C (p.Leu533Pro)

Gene: LOXL3 (lysyl oxidase like 3; minus strand). Cytogenetic location: 2p13.1.
Variant type: single nucleotide variant.
Coding change: c.1598T>C on transcript NM_032603.5 (MANE Select); coding-DNA position 1598, T replaced by C.
Protein change: p.Leu533Pro; replaces leucine 533 with proline.
Molecular consequence: missense variant.
Genome position (GRCh38, 1-based): chr2:74,534,756, A>G on the plus strand (T>C on the coding strand, the complement: LOXL3 is on the minus strand). VCF-style: chr2-74534756-A-G. GRCh37 (hg19) VCF-style: chr2-74761883-A-G.
Other names: c.1163T>C, p.Leu388Pro (NM_001289164.3); c.515T>C, p.Leu172Pro (NM_001289165.2); short protein forms L172P, L388P, L533P.
Identifiers: ClinVar variation 1391779 (VCV001391779.8), dbSNP rs922973106, ClinGen allele CA50491066.